The following is an entry in ClinVar:

ClinVar aggregate classification (germline): Uncertain significance. Review status: criteria provided, multiple submitters, no conflicts (2 of 4 stars). 3 submissions from 3 submitters: Uncertain significance (3). Last evaluated 2026-05-23.

Conditions:
Epidermolysis bullosa simplex with nail dystrophy (EBS5D). Identifiers: MedGen C4225309, MONDO:0014661, OMIM 616487.
Epidermolysis bullosa simplex, Ogna type (EBS5A). Also called: Pidermolysis bullosa simplex 5A, Ogna type; EPIDERMOLYSIS BULLOSA SIMPLEX 5A, OGNA TYPE. Identifiers: Orphanet 79401, MedGen C0432317, MONDO:0007555, OMIM 131950.
Epidermolysis bullosa simplex 5C, with pyloric atresia (EBS5C). Also called: PLEC-Related Epidermolysis Bullosa with Pyloric Atresia; Epidermolysis bullosa simplex with pyloric atresia; PLEC1-Related Epidermolysis Bullosa with Pyloric Atresia. Identifiers: Orphanet 158684, MedGen C2677349, MONDO:0012807, OMIM 612138.
Autosomal recessive limb-girdle muscular dystrophy type 2Q (LGMDR17). Also called: MUSCULAR DYSTROPHY, LIMB-GIRDLE, AUTOSOMAL RECESSIVE 17. Identifiers: Orphanet 254361, MedGen C3150989, MONDO:0013390, OMIM 613723.
Epidermolysis bullosa simplex 5B, with muscular dystrophy (EBS5B). Also called: EPIDERMOLYSIS BULLOSA SIMPLEX AND LIMB-GIRDLE MUSCULAR DYSTROPHY; Epidermolysis bullosa simplex with muscular dystrophy. Identifiers: Orphanet 257, MedGen C2931072, MONDO:0009181, OMIM 226670.
Inborn genetic diseases. Identifiers: MedGen C0950123, MeSH D030342.

Allele frequency attached by ClinVar (database versions not stated): ExAC 0.00003; ESP Exome Variant Server 0.00008; TOPMed 0.00010; gnomAD exomes 0.00001; gnomAD 0.00010.
gnomAD v4.1: 26 of 1,612,232 alleles (0.0016%); highest among the groups gnomAD compares: African/African-American, 0.035%; no homozygotes.

Submissions (3):

Ambry Genetics
Classification: Uncertain significance for Inborn genetic diseases. Last evaluated: 2026-05-23. Review status: criteria provided, single submitter. Criteria: Ambry Variant Classification Scheme 2023. Collection method: clinical testing. Allele origin: germline.

Labcorp Genetics (formerly Invitae), Labcorp
Classification: Uncertain significance for Autosomal recessive limb-girdle muscular dystrophy type 2Q; Epidermolysis bullosa simplex, Ogna type; Epidermolysis bullosa simplex with nail dystrophy; Epidermolysis bullosa simplex 5C, with pyloric atresia; Epidermolysis bullosa simplex 5B, with muscular dystrophy. Last evaluated: 2025-12-24. Review status: criteria provided, single submitter. Criteria: Invitae Variant Classification Sherloc (09022015). Collection method: clinical testing. Allele origin: germline.
Comment: This sequence change replaces asparagine, which is neutral and polar, with serine, which is neutral and polar, at codon 302 of the PLEC protein (p.Asn302Ser). This variant is present in population databases (rs367822744, gnomAD 0.05%). This variant has not been reported in the literature in individuals affected with PLEC-related conditions. ClinVar contains an entry for this variant (Variation ID: 2435034). Experimental studies and prediction algorithms are not available or were not evaluated, and the functional significance of this variant is currently unknown. Algorithms developed to predict the effect of sequence changes on RNA splicing suggest that this variant may disrupt the consensus splice site. In summary, the available evidence is currently insufficient to determine the role of this variant in disease. Therefore, it has been classified as a Variant of Uncertain Significance.

Revvity Omics, Revvity
Classification: Uncertain significance. Last evaluated: 2020-05-20. Review status: criteria provided, single submitter. Criteria: ACMG Guidelines, 2015. Collection method: clinical testing. Allele origin: germline.

NM_201384.3(PLEC):c.824A>G (p.Asn275Ser)

Gene: PLEC (plectin; minus strand). Cytogenetic location: 8q24.3.
Variant type: single nucleotide variant.
Coding change: c.824A>G on transcript NM_201384.3 (MANE Select); coding-DNA position 824, A replaced by G.
Protein change: p.Asn275Ser; replaces asparagine 275 with serine.
Molecular consequence: missense variant.
Genome position (GRCh38, 1-based): chr8:143,935,012, T>C on the plus strand (A>G on the coding strand, the complement: PLEC is on the minus strand). VCF-style: chr8-143935012-T-C. GRCh37 (hg19) VCF-style: chr8-145009180-T-C.
Other names: c.905A>G, p.Asn302Ser (NM_000445.5, NM_001410941.1); c.782A>G, p.Asn261Ser (NM_201378.4); c.758A>G, p.Asn253Ser (NM_201379.3); c.1235A>G, p.Asn412Ser (NM_201380.4); c.728A>G, p.Asn243Ser (NM_201381.3); c.824A>G, p.Asn275Ser (NM_201382.4); c.836A>G, p.Asn279Ser (NM_201383.3); short protein forms N243S, N253S, N261S, N275S, N279S, N302S, N412S.
Identifiers: ClinVar variation 2435034 (VCV002435034.7), dbSNP rs367822744, ClinGen allele CA4928309.